The following is an entry in ClinVar:

NM_001367561.1(DOCK7):c.188A>G (p.Tyr63Cys)

Gene: DOCK7 (dedicator of cytokinesis 7; minus strand). Cytogenetic location: 1p31.3.
Variant type: single nucleotide variant.
Coding change: c.188A>G on transcript NM_001367561.1 (MANE Select); coding-DNA position 188, A replaced by G.
Protein change: p.Tyr63Cys; replaces tyrosine 63 with cysteine.
Molecular consequence: missense variant.
Genome position (GRCh38, 1-based): chr1:62,654,116, T>C on the plus strand (A>G on the coding strand, the complement: DOCK7 is on the minus strand). VCF-style: chr1-62654116-T-C. GRCh37 (hg19) VCF-style: chr1-63119787-T-C.
Other names: c.188A>G, p.Tyr63Cys (NM_001271999.2, NM_001272000.2, NM_001272001.2 and 3 more transcripts); short protein forms Y63C.
Identifiers: ClinVar variation 4795645 (VCV004795645.1).

ClinVar aggregate classification (germline): Uncertain significance (1 of 4 stars; one submission).

gnomAD v4.1: 6 of 1,613,768 alleles (0.00037%); highest among the groups gnomAD compares: African/African-American, 0.0053%; no homozygotes.

Submission:

GeneDx
Classification: Uncertain significance. Last evaluated: 2025-08-11. Review status: criteria provided, single submitter. Criteria: GeneDx Variant Classification Process June 2021. Collection method: clinical testing. Allele origin: germline. Affected: yes.
Comment: Not observed at significant frequency in large population cohorts (gnomAD); In silico analysis supports that this missense variant has a deleterious effect on protein structure/function; Has not been previously published as pathogenic or benign to our knowledge